The following is an entry in ClinVar:

NM_002230.4(JUP):c.1658G>C (p.Gly553Ala)

Gene: JUP (junction plakoglobin; minus strand). Cytogenetic location: 17q21.2.
Variant type: single nucleotide variant.
Coding change: c.1658G>C on transcript NM_002230.4 (MANE Select); coding-DNA position 1658, G replaced by C.
Protein change: p.Gly553Ala; replaces glycine 553 with alanine.
Molecular consequence: missense variant.
Genome position (GRCh38, 1-based): chr17:41,758,514, C>G on the plus strand (G>C on the coding strand, the complement: JUP is on the minus strand). VCF-style: chr17-41758514-C-G. GRCh37 (hg19) VCF-style: chr17-39914766-C-G.
Other names: c.1658G>C, p.Gly553Ala (NM_001352773.2, NM_001352774.2, NM_001352775.2 and 3 more transcripts); short protein forms G553A.
Identifiers: ClinVar variation 1513015 (VCV001513015.6), dbSNP rs782759301, ClinGen allele CA399493322.

ClinVar aggregate classification (germline): Uncertain significance (1 of 4 stars; one submission).

Conditions:
Arrhythmogenic right ventricular dysplasia 12. Also called: ARRHYTHMOGENIC RIGHT VENTRICULAR DYSPLASIA, FAMILIAL, 12. Identifiers: MedGen C1969081, MONDO:0012684, OMIM 611528.
Naxos disease (NXD). Also called: KERATOSIS PALMOPLANTARIS WITH ARRHYTHMOGENIC CARDIOMYOPATHY; CARDIOMYOPATHY, ARRHYTHMOGENIC RIGHT VENTRICULAR, WITH SKIN, HAIR, AND NAIL ABNORMALITIES; PALMOPLANTAR KERATODERMA WITH ARRHYTHMOGENIC RIGHT VENTRICULAR CARDIOMYOPATHY AND WOOLLY HAIR; WOOLLY HAIR, PALMOPLANTAR KERATODERMA, AND CARDIAC ABNORMALITIES; MAL DE NAXOS. Identifiers: Orphanet 34217, MedGen C1832600, MONDO:0011017, OMIM 601214.

Allele frequency attached by ClinVar (database versions not stated): gnomAD exomes below 0.00001.
gnomAD v4.1: 1 of 1,610,628 alleles (0.000062%); highest among the groups gnomAD compares: East Asian, 0.0022%; no homozygotes.

Submission:

Labcorp Genetics (formerly Invitae), Labcorp
Classification: Uncertain significance for Arrhythmogenic right ventricular dysplasia 12; Naxos disease. Last evaluated: 2022-03-19. Review status: criteria provided, single submitter. Criteria: Invitae Variant Classification Sherloc (09022015). Collection method: clinical testing. Allele origin: germline.
Comment: This sequence change replaces glycine, which is neutral and non-polar, with alanine, which is neutral and non-polar, at codon 553 of the JUP protein (p.Gly553Ala). This variant is present in population databases (no rsID available, gnomAD 0.006%). This missense change has been observed in individual(s) with dilated cardiomyopathy (PMID: 31983221). Algorithms developed to predict the effect of missense changes on protein structure and function are either unavailable or do not agree on the potential impact of this missense change (SIFT: "Tolerated"; PolyPhen-2: "Possibly Damaging"; Align-GVGD: "Class C0"). In summary, the available evidence is currently insufficient to determine the role of this variant in disease. Therefore, it has been classified as a Variant of Uncertain Significance.

Literature cited by the submitters: PubMed 31983221.